The following is an entry in ClinVar:

ClinVar aggregate classification (germline): Uncertain significance (3 of 4 stars; one submission).

Conditions:
Glanzmann thrombasthenia. Also called: Glanzmann's thrombasthenia; PLATELET GLYCOPROTEIN IIb-IIIa DEFICIENCY; BLEEDING DISORDER, PLATELET-TYPE, 2; THROMBASTHENIA OF GLANZMANN AND NAEGELI; Thrombasthenia. Identifiers: Orphanet 849, MedGen C0040015, MONDO:0100326.

Submission:

ClinGen Platelet Disorders Variant Curation Expert Panel, ClinGen
Classification: Uncertain significance for Glanzmann thrombasthenia. Last evaluated: 2023-11-02. Review status: reviewed by expert panel. Criteria: ClinGen Platelet ACMG Specifications v2-1. Collection method: curation. Allele origin: germline. Inheritance: Autosomal recessive inheritance.
Comment: The NM_000419.5:c.3076_3077delinsGC results in a missense change, Arg1026Ala. The variant is absent gnomAD v2.1.1 and v3. PMID: 12575292 reports on the variant, but the evidence does not meet GT criteria for phenotype or functional studies. In summary, there is insufficient evidence at this time to classify this variant. GT-specific criteria met: PM2_Supporting.

NM_000419.5(ITGA2B):c.3076_3077delinsGC (p.Arg1026Ala)

Gene: ITGA2B (integrin subunit alpha 2b; minus strand). Cytogenetic location: 17q21.31.
Variant type: Indel.
Coding change: c.3076_3077delinsGC on transcript NM_000419.5 (MANE Select); coding-DNA positions 3076 to 3077, CG replaced by GC.
Protein change: p.Arg1026Ala; replaces arginine 1026 with alanine.
Molecular consequence: missense variant.
Genome position (GRCh38, 1-based): chr17:44,372,407-44,372,408, CG replaced by GC on the plus strand (CG replaced by GC on the coding strand, the reverse complement: ITGA2B is on the minus strand). VCF-style: chr17-44372407-CG-GC. GRCh37 (hg19) VCF-style: chr17-42449775-CG-GC.
Other names: short protein forms R1026A.
Identifiers: ClinVar variation 996160 (VCV000996160.3), dbSNP rs2048505090, ClinGen allele CA915940802.